The following is an entry in ClinVar:

NM_001079802.2(FKTN):c.83A>G (p.Tyr28Cys)

Gene: FKTN (fukutin; plus strand). Cytogenetic location: 9q31.2.
Variant type: single nucleotide variant.
Coding change: c.83A>G on transcript NM_001079802.2 (MANE Select); coding-DNA position 83, A replaced by G.
Protein change: p.Tyr28Cys; replaces tyrosine 28 with cysteine.
Molecular consequence: missense variant. On other transcripts: 5 prime UTR variant (5), non-coding transcript variant (2).
Genome position (GRCh38, 1-based): chr9:105,575,115, A>G. VCF-style: chr9-105575115-A-G. GRCh37 (hg19) VCF-style: chr9-108337396-A-G.
Other names: c.83A>G, p.Tyr28Cys (NM_001198963.2, NM_001351496.2, NM_001351498.2 and 1 more transcripts); c.-85A>G (NM_001351497.2); c.-432A>G (NM_001351499.2, NM_001351500.2, NM_001351501.2 and 1 more transcripts); short protein forms Y28C.
Identifiers: ClinVar variation 528822 (VCV000528822.6), dbSNP rs374203636, ClinGen allele CA197413113.
Genomic context (GRCh38, chr9:105,575,115, plus strand): 5'-TGGTTTTGGCCCTTTTAACGCTGACAAGTTCTGCATTTCTGCTGTTTCAGTTGTACTACT[A>G]CAAGCACTATTTATCAACAAAGGTAATTTTATTCCTTCTTTCTTATCATTCCTCCTTTCT-3'
Protein context (NP_001073270.1, residues 18-38): SAFLLFQLYY[Tyr28Cys]KHYLSTKNGA

ClinVar aggregate classification (germline): Uncertain significance (1 of 4 stars; one submission).

Conditions:
Walker-Warburg congenital muscular dystrophy. Also called: Muscular dystrophy-dystroglycanopathy, type A; Walker-Warburg syndrome. Identifiers: Orphanet 899, MedGen C0265221, MONDO:0000171.

Allele frequency attached by ClinVar (database versions not stated): gnomAD exomes below 0.00001; TOPMed 0.00001; ESP Exome Variant Server 0.00008.
gnomAD v4.1: 5 of 1,598,932 alleles (0.00031%); highest among the groups gnomAD compares: Non-Finnish European, 0.00043%; no homozygotes.

Submission:

Labcorp Genetics (formerly Invitae), Labcorp
Classification: Uncertain significance for Walker-Warburg congenital muscular dystrophy. Last evaluated: 2022-03-18. Review status: criteria provided, single submitter. Criteria: Invitae Variant Classification Sherloc (09022015). Collection method: clinical testing. Allele origin: germline.
Comment: This sequence change replaces tyrosine, which is neutral and polar, with cysteine, which is neutral and slightly polar, at codon 28 of the FKTN protein (p.Tyr28Cys). This variant is present in population databases (rs374203636, gnomAD 0.0009%). This variant has not been reported in the literature in individuals affected with FKTN-related conditions. ClinVar contains an entry for this variant (Variation ID: 528822). Algorithms developed to predict the effect of missense changes on protein structure and function are either unavailable or do not agree on the potential impact of this missense change (SIFT: "Tolerated"; PolyPhen-2: "Possibly Damaging"; Align-GVGD: "Class C0"). In summary, the available evidence is currently insufficient to determine the role of this variant in disease. Therefore, it has been classified as a Variant of Uncertain Significance.